The following is an entry in ClinVar:

NM_001379291.1(BRD4):c.1644A>G (p.Lys548=)

Gene: BRD4 (bromodomain containing 4; minus strand). Cytogenetic location: 19p13.12.
Variant type: single nucleotide variant.
Coding change: c.1644A>G on transcript NM_001379291.1 (MANE Select); coding-DNA position 1644, A replaced by G.
Protein change: p.Lys548=; no amino-acid change (lysine 548 retained).
Molecular consequence: synonymous variant.
Genome position (GRCh38, 1-based): chr19:15,256,171, T>C on the plus strand (A>G on the coding strand, the complement: BRD4 is on the minus strand). VCF-style: chr19-15256171-T-C. GRCh37 (hg19) VCF-style: chr19-15366982-T-C.
Other names: c.1644A>G, p.Lys548= (NM_001330384.2, NM_001379292.1, NM_014299.3 and 1 more transcripts); c.1644A>G (NM_058243.2).
Identifiers: ClinVar variation 2064564 (VCV002064564.6), dbSNP rs149289085, ClinGen allele CA9265314.

ClinVar aggregate classification (germline): Likely benign. Review status: criteria provided, single submitter (1 of 4 stars). 2 submissions from 2 submitters: Likely benign (1). 1 of the submissions does not count toward it. Last evaluated 2026-01-04.

Conditions:
BRD4-related disorder. Also called: BRD4-related condition.

Allele frequency attached by ClinVar (database versions not stated): gnomAD exomes 0.00014; ExAC 0.00041; 1000 Genomes Project 0.00060; 1000 Genomes Project 30x 0.00062; ESP Exome Variant Server 0.00115; gnomAD 0.00161; TOPMed 0.00170.
gnomAD v4.1: 456 of 1,612,782 alleles (0.028%); highest among the groups gnomAD compares: African/African-American, 0.56%; 4 homozygotes.

Submissions (2):

Labcorp Genetics (formerly Invitae), Labcorp
Classification: Likely benign. Last evaluated: 2026-01-04. Review status: criteria provided, single submitter. Criteria: Invitae Variant Classification Sherloc (09022015). Collection method: clinical testing. Allele origin: germline.

PreventionGenetics, part of Exact Sciences
Classification: Likely benign for BRD4-related condition. Last evaluated: 2019-07-15. Review status: no assertion criteria provided. Collection method: clinical testing. Allele origin: germline. Not counted in ClinVar's aggregate classification.
Comment: This variant is classified as likely benign based on ACMG/AMP sequence variant interpretation guidelines (Richards et al. 2015 PMID: 25741868, with internal and published modifications).